The following is an entry in ClinVar:

ClinVar aggregate classification (germline): Uncertain significance. Review status: criteria provided, multiple submitters, no conflicts (2 of 4 stars). 2 submissions from 2 submitters: Uncertain significance (2). Last evaluated 2025-09-29.

Conditions:
Inborn genetic diseases. Identifiers: MedGen C0950123, MeSH D030342.

Allele frequency attached by ClinVar (database versions not stated): TOPMed 0.00003; gnomAD 0.00006; ExAC 0.00013.

Submissions (2):

Labcorp Genetics (formerly Invitae), Labcorp
Classification: Uncertain significance. Last evaluated: 2025-09-29. Review status: criteria provided, single submitter. Criteria: Invitae Variant Classification Sherloc (09022015). Collection method: clinical testing. Allele origin: germline.
Comment: This sequence change replaces alanine, which is neutral and non-polar, with threonine, which is neutral and polar, at codon 2926 of the DCHS1 protein (p.Ala2926Thr). The frequency data for this variant in the population databases is considered unreliable, as metrics indicate poor data quality at this position in the gnomAD database. This variant has not been reported in the literature in individuals affected with DCHS1-related conditions. ClinVar contains an entry for this variant (Variation ID: 2184400). Invitae Evidence Modeling of protein sequence and biophysical properties (such as structural, functional, and spatial information, amino acid conservation, physicochemical variation, residue mobility, and thermodynamic stability) indicates that this missense variant is not expected to disrupt DCHS1 protein function with a negative predictive value of 80%. In summary, the available evidence is currently insufficient to determine the role of this variant in disease. Therefore, it has been classified as a Variant of Uncertain Significance.

Ambry Genetics
Classification: Uncertain significance for Inborn genetic diseases. Last evaluated: 2023-12-22. Review status: criteria provided, single submitter. Criteria: Ambry Variant Classification Scheme 2023. Collection method: clinical testing. Allele origin: germline.

NM_003737.4(DCHS1):c.8776G>A (p.Ala2926Thr)

Gene: DCHS1 (dachsous cadherin-related 1; minus strand). Cytogenetic location: 11p15.4.
Variant type: single nucleotide variant.
Coding change: c.8776G>A on transcript NM_003737.4 (MANE Select); coding-DNA position 8776, G replaced by A.
Protein change: p.Ala2926Thr; replaces alanine 2926 with threonine.
Molecular consequence: missense variant.
Genome position (GRCh38, 1-based): chr11:6,622,900, C>T on the plus strand (G>A on the coding strand, the complement: DCHS1 is on the minus strand). VCF-style: chr11-6622900-C-T. GRCh37 (hg19) VCF-style: chr11-6644131-C-T.
Other names: c.8776G>A (NM_003737.2); short protein forms A2926T.
Identifiers: ClinVar variation 2184400 (VCV002184400.5), dbSNP rs781474739, ClinGen allele CA5859361.